The following is an entry in ClinVar:

NM_001384732.1(CPLANE1):c.1507G>A (p.Ala503Thr)

Gene: CPLANE1 (ciliogenesis and planar polarity effector complex subunit 1; minus strand). Cytogenetic location: 5p13.2.
Variant type: single nucleotide variant.
Coding change: c.1507G>A on transcript NM_001384732.1 (MANE Select); coding-DNA position 1507, G replaced by A.
Protein change: p.Ala503Thr; replaces alanine 503 with threonine.
Molecular consequence: missense variant.
Genome position (GRCh38, 1-based): chr5:37,227,257, C>T on the plus strand (G>A on the coding strand, the complement: CPLANE1 is on the minus strand). VCF-style: chr5-37227257-C-T. GRCh37 (hg19) VCF-style: chr5-37227359-C-T.
Other names: c.1507G>A, p.Ala503Thr (NM_023073.4); short protein forms A503T.
Identifiers: ClinVar variation 423697 (VCV000423697.7), dbSNP rs1064796585, ClinGen allele CA16618206.

ClinVar aggregate classification (germline): Uncertain significance. Review status: criteria provided, multiple submitters, no conflicts (2 of 4 stars). 2 submissions from 2 submitters: Uncertain significance (2). Last evaluated 2023-03-15.

gnomAD v4.1: 1 of 1,551,168 alleles (0.000064%); highest among the groups gnomAD compares: South Asian, 0.0012%; no homozygotes.

Submissions (2):

GeneDx
Classification: Uncertain significance. Last evaluated: 2023-03-15. Review status: criteria provided, single submitter. Criteria: GeneDx Variant Classification Process June 2021. Collection method: clinical testing. Allele origin: germline. Affected: yes.
Comment: Not observed at significant frequency in large population cohorts (gnomAD); In silico analysis supports that this missense variant does not alter protein structure/function; Has not been previously published as pathogenic or benign to our knowledge

Labcorp Genetics (formerly Invitae), Labcorp
Classification: Uncertain significance. Last evaluated: 2022-11-01. Review status: criteria provided, single submitter. Criteria: Invitae Variant Classification Sherloc (09022015). Collection method: clinical testing. Allele origin: germline.
Comment: In summary, the available evidence is currently insufficient to determine the role of this variant in disease. Therefore, it has been classified as a Variant of Uncertain Significance. This sequence change replaces alanine, which is neutral and non-polar, with threonine, which is neutral and polar, at codon 503 of the CPLANE1 protein (p.Ala503Thr). This variant is not present in population databases (gnomAD no frequency). This variant has not been reported in the literature in individuals affected with CPLANE1-related conditions. ClinVar contains an entry for this variant (Variation ID: 423697). Advanced modeling of protein sequence and biophysical properties (such as structural, functional, and spatial information, amino acid conservation, physicochemical variation, residue mobility, and thermodynamic stability) performed at Invitae indicates that this missense variant is not expected to disrupt CPLANE1 protein function.